The following is an entry in ClinVar:

ClinVar aggregate classification (germline): Uncertain significance. Review status: criteria provided, multiple submitters, no conflicts (2 of 4 stars). 2 submissions from 2 submitters: Uncertain significance (2). Last evaluated 2026-04-14.

Conditions:
Cholestasis, intrahepatic, of pregnancy, 3. Identifiers: Orphanet 69665, MedGen C3554241, MONDO:0013995, OMIM 614972.
Familial intrahepatic cholestasis. Identifiers: Orphanet 284385, MedGen CN296401, MONDO:0017290.
Low phospholipid associated cholelithiasis (GBD1). Also called: Gallstone cholecystitis; Gallbladder disease 1. Identifiers: Orphanet 69663, MedGen C2609268, MONDO:0010939, OMIM 600803.

Submissions (2):

Genomenon, Inc
Classification: Uncertain significance for Familial intrahepatic cholestasis; Low phospholipid associated cholelithiasis. Last evaluated: 2026-04-14. Review status: criteria provided, single submitter. Criteria: Genomenon Sequence Variant Interpretation Standards - Updated. Collection method: curation. Allele origin: germline. Affected: no.
Comment: ABCB4 p.Ile455Phe (c.1363A>T) is a missense variant that changes the amino acid at residue 455 from Isoleucine to Phenylalanine. This variant has been reported in the published literature (PMID:38374565). It is absent or not present at a significant frequency in gnomAD. In silico models predict that this variant is possibly or probably damaging. In conclusion, we classify ABCB4 p.Ile455Phe (c.1363A>T) as a variant of uncertain significance.

Victorian Clinical Genetics Services, Murdoch Childrens Research Institute
Classification: Uncertain significance for Cholestasis, intrahepatic, of pregnancy, 3. Last evaluated: 2024-10-04. Review status: criteria provided, single submitter. Criteria: ACMG Guidelines, 2015. Collection method: clinical testing. Allele origin: germline. Affected: yes.
Comment: This variant is classified as VUS-3A. Evidence in support of pathogenic classification: Variant is absent from gnomAD (v2, v3 and v4); This variant has limited previous evidence of pathogenicity in an unrelated individual. This variant has been reported once in a young child initially presenting with prolonged jaundice who was also affected with myotubular myopathy (PMID: 38374565); Missense variant predicted to be damaging by in silico tool or highly conserved with a major amino acid change. Additional information: Variant is predicted to result in a missense amino acid change from isoleucine to phenylalanine; This variant is heterozygous; This gene is associated with both recessive and dominant disease. PFIC is inherited in a recessive manner, whereas ICP-3 and gallbladder disease 1 can be either dominant or recessive. Biallelic variants typically demonstrate less residual protein activity, resulting in earlier onset of the condition with a more severe phenotype (OMIM, PMID: 24806754, PMID: 32376413); Multiple alternative amino acid changes at the same position have been observed in gnomAD (v4) (highest allele count: 6 heterozygotes, 0 homozygotes); No published segregation evidence has been identified for this variant; No published functional evidence has been identified for this variant; No comparable missense variants have previous evidence for pathogenicity; Variant is located in the annotated ABC transporter domain (DECIPHER); Loss of function is a known mechanism of disease in this gene and is associated with intrahepatic cholestasis of pregnancy 3 (ICP-3; MIM#614972), gallbladder disease 1 (MIM#600803) and progressive familial intrahepatic cholestasis 3 (PFIC; MIM#602347); Inheritance information for this variant is not currently available in this individual.

Literature cited by the submitters: PubMed 38374565 (cited by Genomenon, Inc and Victorian Clinical Genetics Services, Murdoch Childrens Research Institute); PubMed 24806754 (cited by Victorian Clinical Genetics Services, Murdoch Childrens Research Institute); PubMed 32376413 (cited by Victorian Clinical Genetics Services, Murdoch Childrens Research Institute).

NM_000443.4(ABCB4):c.1363A>T (p.Ile455Phe)

Gene: ABCB4 (ATP binding cassette subfamily B member 4; minus strand). Cytogenetic location: 7q21.12.
Variant type: single nucleotide variant.
Coding change: c.1363A>T on transcript NM_000443.4 (MANE Select); coding-DNA position 1363, A replaced by T.
Protein change: p.Ile455Phe; replaces isoleucine 455 with phenylalanine.
Molecular consequence: missense variant.
Genome position (GRCh38, 1-based): chr7:87,440,396, T>A on the plus strand (A>T on the coding strand, the complement: ABCB4 is on the minus strand). VCF-style: chr7-87440396-T-A. GRCh37 (hg19) VCF-style: chr7-87069712-T-A.
Other names: c.1363A>T, p.Ile455Phe (NM_018849.3, NM_018850.3); short protein forms I455F.
Identifiers: ClinVar variation 4532081 (VCV004532081.2).